The following is an entry in ClinVar:

NM_013266.4(CTNNA3):c.2242C>T (p.Leu748Phe)

Gene: CTNNA3 (catenin alpha 3; minus strand). Cytogenetic location: 10q21.3.
Variant type: single nucleotide variant.
Coding change: c.2242C>T on transcript NM_013266.4 (MANE Select); coding-DNA position 2242, C replaced by T.
Protein change: p.Leu748Phe; replaces leucine 748 with phenylalanine.
Molecular consequence: missense variant.
Genome position (GRCh38, 1-based): chr10:65,988,715, G>A on the plus strand (C>T on the coding strand, the complement: CTNNA3 is on the minus strand). VCF-style: chr10-65988715-G-A. GRCh37 (hg19) VCF-style: chr10-67748473-G-A.
Other names: c.2242C>T, p.Leu748Phe (NM_001127384.3); short protein forms L748F.
Identifiers: ClinVar variation 1346965 (VCV001346965.8), dbSNP rs1011996986, ClinGen allele CA208956800.

ClinVar aggregate classification (germline): Uncertain significance. Review status: criteria provided, multiple submitters, no conflicts (2 of 4 stars). 2 submissions from 2 submitters: Uncertain significance (2). Last evaluated 2025-11-07.

Conditions:
Arrhythmogenic right ventricular dysplasia 13. Also called: ARRHYTHMOGENIC RIGHT VENTRICULAR CARDIOMYOPATHY 13; Arrhythmogenic right ventricular dysplasia, familial, 13. Identifiers: MedGen C3810138, MONDO:0000908, OMIM 615616.

Submissions (2):

Dasa
Classification: Uncertain significance. Last evaluated: 2025-11-07. Review status: criteria provided, single submitter. Criteria: DASA Assertion Criteria. Collection method: clinical testing. Allele origin: germline.
Comment: NM_013266.4(CTNNA3):c.2242C>T (p.Leu748Phe) is a missense variant that results in the substitution of leucine with phenylalanine. This variant is rare in population databases. The currently available literature and clinical evidence are not sufficient to establish a definitive association between this variant and the reported condition. Therefore, this variant is classified as a variant of uncertain significance.

Labcorp Genetics (formerly Invitae), Labcorp
Classification: Uncertain significance for Arrhythmogenic right ventricular dysplasia 13. Last evaluated: 2021-10-16. Review status: criteria provided, single submitter. Criteria: Invitae Variant Classification Sherloc (09022015). Collection method: clinical testing. Allele origin: germline.
Comment: Algorithms developed to predict the effect of missense changes on protein structure and function are either unavailable or do not agree on the potential impact of this missense change (SIFT: "Deleterious"; PolyPhen-2: "Not Available"; Align-GVGD: "Class C0"). In summary, the available evidence is currently insufficient to determine the role of this variant in disease. Therefore, it has been classified as a Variant of Uncertain Significance. This variant has not been reported in the literature in individuals affected with CTNNA3-related conditions. This variant is not present in population databases (ExAC no frequency). This sequence change replaces leucine with phenylalanine at codon 748 of the CTNNA3 protein (p.Leu748Phe). The leucine residue is highly conserved and there is a small physicochemical difference between leucine and phenylalanine.